The following is an entry in ClinVar:

ClinVar aggregate classification (germline): Pathogenic (1 of 4 stars; one submission).

Submission:

GeneDx
Classification: Pathogenic. Last evaluated: 2012-11-29. Review status: criteria provided, single submitter. Criteria: GeneDx Variant Classification (06012015). Collection method: clinical testing. Allele origin: germline. Affected: yes.
Comment: c.207_216delinsC: p.Ala70_Phe72del (A70_F72del) in exon 3 of the SLC2A1 gene (NM_006516.2)The c.207_216delinsC variant in the SLC2A1 gene has not been published as a mutation, nor has it been reported as a benign polymorphism to our knowledge. It results in an in-frame deletion of three amino acids in a highly conserved region of the second transmembrane domain of the protein, beginning at codon Alanine 70 and ending at codon Phenylalanine 72. This variant has been observed de novo without verified parentage. The variant is found in INFANT-EPI panel(s).

NM_006516.4(SLC2A1):c.207_216delinsC (p.Ala70_Phe72del)

Gene: SLC2A1 (solute carrier family 2 member 1; minus strand). Cytogenetic location: 1p34.2.
Variant type: Indel.
Coding change: c.207_216delinsC on transcript NM_006516.4 (MANE Select); coding-DNA positions 207 to 216, GGCCATCTTT replaced by C.
Protein change: p.Ala70_Phe72del.
Molecular consequence: inframe deletion.
Genome position (GRCh38, 1-based): chr1:42,931,105-42,931,114, AAAGATGGCC replaced by G on the plus strand (GGCCATCTTT replaced by C on the coding strand, the reverse complement: SLC2A1 is on the minus strand). VCF-style: chr1-42931105-AAAGATGGCC-G. GRCh37 (hg19) VCF-style: chr1-43396776-AAAGATGGCC-G.
Identifiers: ClinVar variation 207219 (VCV000207219.1), dbSNP rs796053266, ClinGen allele CA318481.
Genomic context (GRCh38, chr1:42,931,105, plus strand): 5'-CCGGCCAAAGCGGTTAACGAAAAGGCCCACAGAGAAGGAGCCAATCATGCCCCCAACAGA[AAAGATGGCC>G]ACTGAGAGGGACCAGAGCGTGGTGAGCGTGGTGGGCAGGATGCTCTCCCCATAGCGGTGG-3'